The following is an entry in ClinVar:

ClinVar aggregate classification (germline): Uncertain significance. Review status: criteria provided, multiple submitters, no conflicts (2 of 4 stars). 2 submissions from 2 submitters: Uncertain significance (2). Last evaluated 2022-11-30.

Allele frequency attached by ClinVar (database versions not stated): ExAC 0.00001; gnomAD 0.00001; gnomAD exomes 0.00001.

Submissions (2):

Blueprint Genetics
Classification: Uncertain significance. Last evaluated: 2022-11-30. Review status: criteria provided, single submitter. Criteria: ACMG Guidelines, 2015. Collection method: clinical testing. Allele origin: germline.

Labcorp Genetics (formerly Invitae), Labcorp
Classification: Uncertain significance. Last evaluated: 2021-12-19. Review status: criteria provided, single submitter. Criteria: Invitae Variant Classification Sherloc (09022015). Collection method: clinical testing. Allele origin: germline.
Comment: In summary, the available evidence is currently insufficient to determine the role of this variant in disease. Therefore, it has been classified as a Variant of Uncertain Significance. Experimental studies and prediction algorithms are not available or were not evaluated, and the functional significance of this variant is currently unknown. This variant has not been reported in the literature in individuals affected with KIZ-related conditions. This variant is present in population databases (rs762734262, gnomAD 0.006%). This sequence change replaces methionine, which is neutral and non-polar, with valine, which is neutral and non-polar, at codon 160 of the KIZ protein (p.Met160Val).

NM_018474.6(KIZ):c.478A>G (p.Met160Val)

Gene: KIZ (kizuna centrosomal protein; plus strand). Cytogenetic location: 20p11.23.
Variant type: single nucleotide variant.
Coding change: c.478A>G on transcript NM_018474.6 (MANE Select); coding-DNA position 478, A replaced by G.
Protein change: p.Met160Val; replaces methionine 160 with valine.
Molecular consequence: missense variant.
Genome position (GRCh38, 1-based): chr20:21,161,943, A>G. VCF-style: chr20-21161943-A-G. GRCh37 (hg19) VCF-style: chr20-21142584-A-G.
Other names: c.169A>G, p.Met57Val (NM_001163022.3, NM_001352435.2); c.79A>G, p.Met27Val (NM_001163023.3); c.331A>G, p.Met111Val (NM_001276389.2); c.478A>G, p.Met160Val (NM_001352434.2); c.136A>G, p.Met46Val (NM_001352436.2); short protein forms M27V, M46V, M111V, M160V, M57V.
Identifiers: ClinVar variation 1903626 (VCV001903626.6), dbSNP rs762734262, ClinGen allele CA9784655.
Genomic context (GRCh38, chr20:21,161,943, plus strand): 5'-GAGGGGATTAACTCAGGAACAGCCATGTCAAGAGGATTGTATCAACCAGCAACAATCTTT[A>G]TGGGCCGCCAAATGTCAGCCATCTTAAGCATGAGAGATTTCAGTACAGAGCACAAATCTC-3'
Protein context (NP_060944.3, residues 150-170): RGLYQPATIF[Met160Val]GRQMSAILSM